The following is an entry in ClinVar:

ClinVar aggregate classification (germline): Uncertain significance (1 of 4 stars; one submission).

Submission:

GeneDx
Classification: Uncertain significance. Last evaluated: 2025-02-03. Review status: criteria provided, single submitter. Criteria: GeneDx Variant Classification Process June 2021. Collection method: clinical testing. Allele origin: germline. Affected: yes.
Comment: Not observed at significant frequency in large population cohorts (gnomAD); In silico analysis supports that this missense variant has a deleterious effect on protein structure/function; In silico analysis suggests this variant may impact gene splicing. In the absence of RNA/functional studies, the actual effect of this sequence change is unknown.; Has not been previously published as pathogenic or benign to our knowledge

NM_153252.5(BRWD3):c.494C>T (p.Ser165Phe)

Gene: BRWD3 (bromodomain and WD repeat domain containing 3; minus strand). Cytogenetic location: Xq21.1.
Variant type: single nucleotide variant.
Coding change: c.494C>T on transcript NM_153252.5 (MANE Select); coding-DNA position 494, C replaced by T.
Protein change: p.Ser165Phe; replaces serine 165 with phenylalanine.
Molecular consequence: missense variant.
Genome position (GRCh38, 1-based): chrX:80,745,666, G>A on the plus strand (C>T on the coding strand, the complement: BRWD3 is on the minus strand). VCF-style: chrX-80745666-G-A. GRCh37 (hg19) VCF-style: chrX-80001165-G-A.
Other names: short protein forms S165F.
Identifiers: ClinVar variation 4072674 (VCV004072674.1).